The following is an entry in ClinVar:

ClinVar aggregate classification (germline): Uncertain significance (1 of 4 stars; one submission).

Submission:

CeGaT Center for Human Genetics Tuebingen
Classification: Uncertain significance. Last evaluated: 2024-07-01. Review status: criteria provided, single submitter. Criteria: CeGaT Center For Human Genetics Tuebingen Variant Classification Criteria Version 2. Collection method: clinical testing. Allele origin: germline. Affected: yes. Observed: 1 variant allele.
Comment: AHDC1: PM2

NM_001371928.1(AHDC1):c.473C>T (p.Pro158Leu)

Gene: AHDC1 (AT-hook DNA binding motif containing 1; minus strand). Cytogenetic location: 1p36.11.
Variant type: single nucleotide variant.
Coding change: c.473C>T on transcript NM_001371928.1 (MANE Select); coding-DNA position 473, C replaced by T.
Protein change: p.Pro158Leu; replaces proline 158 with leucine.
Molecular consequence: missense variant.
Genome position (GRCh38, 1-based): chr1:27,551,643, G>A on the plus strand (C>T on the coding strand, the complement: AHDC1 is on the minus strand). VCF-style: chr1-27551643-G-A. GRCh37 (hg19) VCF-style: chr1-27878154-G-A.
Other names: c.473C>T, p.Pro158Leu (NM_001029882.3); short protein forms P158L.
Identifiers: ClinVar variation 3257463 (VCV003257463.17).
Genomic context (GRCh38, chr1:27,551,643, plus strand): 5'-CGGATGCTGTTGGCCAAACTGGGTGAGGAGAAGAAGCTGTACTGTAGGTCGCCGGGTGGC[G>A]GTGCAGGCGGGCGGCTCAGTCGGAGCCCACCACAGTCCAGGTGTACACCACTGTGCTGCA-3'
Protein context (NP_001358857.1, residues 148-168): GGLRLSRPPA[Pro158Leu]PPGDLQYSFF